The following is an entry in ClinVar:

ClinVar aggregate classification (germline): Pathogenic (1 of 4 stars; one submission).

Conditions:
Hereditary cancer-predisposing syndrome. Also called: Neoplastic Syndromes, Hereditary; Tumor predisposition; Hereditary Cancer Syndrome; Hereditary neoplastic syndrome. Identifiers: Orphanet 140162, MedGen C0027672, MeSH D009386, MONDO:0015356.

Submission:

Ambry Genetics
Classification: Pathogenic for Hereditary cancer-predisposing syndrome. Last evaluated: 2020-12-08. Review status: criteria provided, single submitter. Criteria: Ambry Variant Classification Scheme 2023. Collection method: clinical testing. Allele origin: germline.
Comment: The c.3484delG pathogenic mutation, located in coding exon 9 of the BRCA1 gene, results from a deletion of one nucleotide at nucleotide position 3484, causing a translational frameshift with a predicted alternate stop codon (p.D1162Ifs*48). This alteration is expected to result in loss of function by premature protein truncation or nonsense-mediated mRNA decay. As such, this alteration is interpreted as a disease-causing mutation.

NM_007294.4(BRCA1):c.3484del (p.Asp1162fs)

Genes: BRCA1 (BRCA1 DNA repair associated; minus strand), LOC126862571 (BRD4-independent group 4 enhancer GRCh37_chr17:41243136-41244335; plus strand). Cytogenetic location: 17q21.31.
Variant type: Deletion.
Coding change: c.3484del on transcript NM_007294.4 (MANE Select); coding-DNA position 3484, one base deleted (G; older notation c.3484delG).
Protein change: p.Asp1162fs; shifts the reading frame from aspartic acid 1162.
Molecular consequence: frameshift variant. On other transcripts: intron variant (135).
Genome position (GRCh38, 1-based): chr17:43,092,047, C deleted on the plus strand (G on the coding strand, the reverse complement: BRCA1 is on the minus strand). VCF-style (leftmost placement, unchanged base first): chr17-43092046-TC-T. GRCh37 (hg19) VCF-style: chr17-41244063-TC-T.
Other names: c.3274del, p.Asp1092fs (NM_001407908.1, NM_001407909.1, NM_001407910.1 and 13 more transcripts); c.3220del, p.Asp1074fs (NM_001407923.1, NM_001407924.1, NM_001407921.1 and 9 more transcripts); c.3271del, p.Asp1091fs (NM_001407915.1, NM_001407916.1, NM_001407917.1 and 9 more transcripts); c.3361del, p.Asp1121fs (NM_001407919.1, NM_001407648.1, NM_001407664.1 and 19 more transcripts); c.3484del, p.Asp1162fs (NM_001407581.1, NM_001407582.1, NM_001407583.1 and 30 more transcripts); c.3481del, p.Asp1161fs (NM_001407587.1, NM_001407590.1, NM_001407591.1 and 22 more transcripts); c.3475del, p.Asp1159fs (NM_001407646.1, NM_001407647.1); c.3358del, p.Asp1120fs (NM_001407649.1, NM_001407670.1, NM_001407671.1 and 11 more transcripts); and 41 more; short protein forms D1162fs, D1115fs, D1051fs, D1092fs, D1135fs, D1159fs, D294fs, D1136fs.
Identifiers: ClinVar variation 1731867 (VCV001731867.2), dbSNP rs2552147761, ClinGen allele CA2580093830.
Genomic context (GRCh38, chr17:43,092,046, plus strand): 5'-TGGACGCTTTTGCTAAAAACAGCAGAACTTTCCTTAATGTCATTTTCAGCAAAACTAGTA[TC>T]TTCCTTTATTTCACCATCATCTAACAGGTCATCAGGTGTCTCAGAACAAACCTGAGATGC-3'